The following is an entry in ClinVar:

ClinVar aggregate classification (germline): Likely benign. Review status: criteria provided, multiple submitters, no conflicts (2 of 4 stars). 3 submissions from 3 submitters: Likely benign (2). 1 of the submissions does not count toward it. Last evaluated 2026-02-02.

Conditions:
TUB-related disorder. Also called: TUB-related condition.

Allele frequency attached by ClinVar (database versions not stated): ESP Exome Variant Server 0.00023; 1000 Genomes Project 0.00040; 1000 Genomes Project 30x 0.00047.
gnomAD v4.1: 70 of 1,608,240 alleles (0.0044%); highest among the groups gnomAD compares: African/African-American, 0.087%; no homozygotes.

Submissions (3):

Labcorp Genetics (formerly Invitae), Labcorp
Classification: Likely benign. Last evaluated: 2026-02-02. Review status: criteria provided, single submitter. Criteria: Invitae Variant Classification Sherloc (09022015). Collection method: clinical testing. Allele origin: germline.

Blueprint Genetics
Classification: Likely benign. Last evaluated: 2024-02-27. Review status: criteria provided, single submitter. Criteria: ACMG Guidelines, 2015. Collection method: clinical testing. Allele origin: germline.

PreventionGenetics, part of Exact Sciences
Classification: Likely benign for TUB-related condition. Last evaluated: 2022-02-03. Review status: no assertion criteria provided. Collection method: clinical testing. Allele origin: germline. Not counted in ClinVar's aggregate classification.
Comment: This variant is classified as likely benign based on ACMG/AMP sequence variant interpretation guidelines (Richards et al. 2015 PMID: 25741868, with internal and published modifications).

NM_177972.3(TUB):c.886-10A>G

Genes: TUB (TUB bipartite transcription factor; plus strand), RIC3 (RIC3 acetylcholine receptor chaperone; minus strand). Cytogenetic location: 11p15.4.
Variant type: single nucleotide variant.
Coding change: c.886-10A>G on transcript NM_177972.3 (MANE Select); 10 bases into the intron before coding-DNA position 886, A replaced by G.
Molecular consequence: intron variant.
Genome position (GRCh38, 1-based): chr11:8,097,704, A>G. VCF-style: chr11-8097704-A-G. GRCh37 (hg19) VCF-style: chr11-8119251-A-G.
Other names: c.1051-10A>G (NM_003320.4, NM_003320.5).
Identifiers: ClinVar variation 1138500 (VCV001138500.12), dbSNP rs200128916, ClinGen allele CA5871272.